The following is an entry in ClinVar:

ClinVar aggregate classification (germline): Uncertain significance. Review status: criteria provided, multiple submitters, no conflicts (2 of 4 stars). 2 submissions from 2 submitters: Uncertain significance (2). Last evaluated 2025-10-26.

Conditions:
Charcot-Marie-Tooth disease type 2. Also called: Charcot-Marie-Tooth type 2. Identifiers: Orphanet 64746, MedGen C0270914, MONDO:0018993.

Allele frequency attached by ClinVar (database versions not stated): 1000 Genomes Project 30x 0.00016; 1000 Genomes Project 0.00020.
gnomAD v4.1: 7 of 1,614,184 alleles (0.00043%); highest among the groups gnomAD compares: Admixed American, 0.0017%; no homozygotes.

Submissions (2):

Ambry Genetics
Classification: Uncertain significance. Last evaluated: 2025-10-26. Review status: criteria provided, single submitter. Criteria: Ambry Variant Classification Scheme 2023. Collection method: clinical testing. Allele origin: germline.
Comment: The p.P1514S variant (also known as c.4540C>T), located in coding exon 40 of the KIF1B gene, results from a C to T substitution at nucleotide position 4540. The proline at codon 1514 is replaced by serine, an amino acid with similar properties. This amino acid position is highly conserved in available vertebrate species. In addition, the in silico prediction for this alteration is inconclusive. Since supporting evidence is limited at this time, the clinical significance of this alteration remains unclear.

Labcorp Genetics (formerly Invitae), Labcorp
Classification: Uncertain significance for Charcot-Marie-Tooth disease type 2. Last evaluated: 2024-06-04. Review status: criteria provided, single submitter. Criteria: Invitae Variant Classification Sherloc (09022015). Collection method: clinical testing. Allele origin: germline.
Comment: This sequence change replaces proline, which is neutral and non-polar, with serine, which is neutral and polar, at codon 1514 of the KIF1B protein (p.Pro1514Ser). This variant is present in population databases (rs202243662, gnomAD 0.003%). This variant has not been reported in the literature in individuals affected with KIF1B-related conditions. ClinVar contains an entry for this variant (Variation ID: 1741360). An algorithm developed to predict the effect of missense changes on protein structure and function (PolyPhen-2) suggests that this variant is likely to be disruptive. In summary, the available evidence is currently insufficient to determine the role of this variant in disease. Therefore, it has been classified as a Variant of Uncertain Significance.

NM_001365951.3(KIF1B):c.4678C>T (p.Pro1560Ser)

Gene: KIF1B (kinesin family member 1B; plus strand). Cytogenetic location: 1p36.22.
Variant type: single nucleotide variant.
Coding change: c.4678C>T on transcript NM_001365951.3 (MANE Select); coding-DNA position 4678, C replaced by T.
Protein change: p.Pro1560Ser; replaces proline 1560 with serine.
Molecular consequence: missense variant.
Genome position (GRCh38, 1-based): chr1:10,365,574, C>T. VCF-style: chr1-10365574-C-T. GRCh37 (hg19) VCF-style: chr1-10425632-C-T.
Other names: c.4678C>T, p.Pro1560Ser (NM_001365952.1); c.4540C>T, p.Pro1514Ser (NM_015074.3); short protein forms P1560S, P1514S.
Identifiers: ClinVar variation 1741360 (VCV001741360.6), dbSNP rs202243662, ClinGen allele CA582146.